The following is an entry in ClinVar:

NM_005732.4(RAD50):c.1994T>G (p.Val665Gly)

Gene: RAD50 (RAD50 double strand break repair protein; plus strand). Cytogenetic location: 5q31.1.
Variant type: single nucleotide variant.
Coding change: c.1994T>G on transcript NM_005732.4 (MANE Select); coding-DNA position 1994, T replaced by G.
Protein change: p.Val665Gly; replaces valine 665 with glycine.
Molecular consequence: missense variant.
Genome position (GRCh38, 1-based): chr5:132,595,597, T>G. VCF-style: chr5-132595597-T-G. GRCh37 (hg19) VCF-style: chr5-131931289-T-G.
Other names: short protein forms V665G.
Identifiers: ClinVar variation 2768181 (VCV002768181.3), dbSNP rs2479651682, ClinGen allele CA360949281.

ClinVar aggregate classification (germline): Uncertain significance (1 of 4 stars; one submission).

Conditions:
Hereditary cancer-predisposing syndrome. Also called: Hereditary neoplastic syndrome; Neoplastic Syndromes, Hereditary; Hereditary Cancer Syndrome; Tumor predisposition. Identifiers: Orphanet 140162, MedGen C0027672, MeSH D009386, MONDO:0015356.

Submission:

Labcorp Genetics (formerly Invitae), Labcorp
Classification: Uncertain significance for Hereditary cancer-predisposing syndrome. Last evaluated: 2023-10-14. Review status: criteria provided, single submitter. Criteria: Invitae Variant Classification Sherloc (09022015). Collection method: clinical testing. Allele origin: germline.
Comment: This sequence change replaces valine, which is neutral and non-polar, with glycine, which is neutral and non-polar, at codon 665 of the RAD50 protein (p.Val665Gly). This variant is not present in population databases (gnomAD no frequency). This variant has not been reported in the literature in individuals affected with RAD50-related conditions. Advanced modeling of protein sequence and biophysical properties (such as structural, functional, and spatial information, amino acid conservation, physicochemical variation, residue mobility, and thermodynamic stability) performed at Invitae indicates that this missense variant is expected to disrupt RAD50 protein function. In summary, the available evidence is currently insufficient to determine the role of this variant in disease. Therefore, it has been classified as a Variant of Uncertain Significance.